The following is an entry in ClinVar:

ClinVar aggregate classification (germline): Benign/Likely benign. Review status: criteria provided, multiple submitters, no conflicts (2 of 4 stars). 3 submissions from 3 submitters: Benign (1); Likely benign (2). Last evaluated 2026-08-31.

Conditions:
Hereditary cancer-predisposing syndrome. Also called: Tumor predisposition; Hereditary Cancer Syndrome; Hereditary neoplastic syndrome; Neoplastic Syndromes, Hereditary. Identifiers: Orphanet 140162, MedGen C0027672, MeSH D009386, MONDO:0015356.
Oligodontia-cancer predisposition syndrome. Also called: TOOTH AGENESIS-COLORECTAL CANCER SYNDROME. Identifiers: Orphanet 300576, MedGen C1837750, MONDO:0012075, OMIM 608615. Disease mechanism: loss of function.

Submissions (3):

Ambry Genetics
Classification: Likely benign for Hereditary cancer-predisposing syndrome. Last evaluated: 2026-08-31. Review status: criteria provided, single submitter. Criteria: Ambry Variant Classification Scheme 2023. Collection method: clinical testing. Allele origin: germline.

Myriad Genetics, Inc.
Classification: Benign for Oligodontia-cancer predisposition syndrome. Last evaluated: 2024-07-09. Review status: criteria provided, single submitter. Criteria: Myriad Autosomal Dominant, Autosomal Recessive and X-Linked Classification Criteria (2023). Collection method: clinical testing. Allele origin: unknown.
Comment: This variant is considered benign. This variant is a silent/synonymous amino acid change and it is not expected to impact splicing.

Labcorp Genetics (formerly Invitae), Labcorp
Classification: Likely benign for Oligodontia-cancer predisposition syndrome. Last evaluated: 2024-04-22. Review status: criteria provided, single submitter. Criteria: Invitae Variant Classification Sherloc (09022015). Collection method: clinical testing. Allele origin: germline.

NM_004655.4(AXIN2):c.1911C>A (p.Ala637=)

Gene: AXIN2 (axin 2; minus strand). Cytogenetic location: 17q24.1.
Variant type: single nucleotide variant.
Coding change: c.1911C>A on transcript NM_004655.4 (MANE Select); coding-DNA position 1911, C replaced by A.
Protein change: p.Ala637=; no amino-acid change (alanine 637 retained).
Molecular consequence: synonymous variant.
Genome position (GRCh38, 1-based): chr17:65,536,550, G>T on the plus strand (C>A on the coding strand, the complement: AXIN2 is on the minus strand). VCF-style: chr17-65536550-G-T. GRCh37 (hg19) VCF-style: chr17-63532668-G-T.
Other names: c.1716C>A, p.Ala572= (NM_001363813.1).
Identifiers: ClinVar variation 3379054 (VCV003379054.4).